The following is an entry in ClinVar:

NM_001282874.2(SMARCA1):c.2243C>T (p.Pro748Leu)

Gene: SMARCA1 (SNF2 related chromatin remodeling ATPase 1; minus strand). Cytogenetic location: Xq25.
Variant type: single nucleotide variant.
Coding change: c.2243C>T on transcript NM_001282874.2 (MANE Select); coding-DNA position 2243, C replaced by T.
Protein change: p.Pro748Leu; replaces proline 748 with leucine.
Molecular consequence: missense variant.
Genome position (GRCh38, 1-based): chrX:129,481,160, G>A on the plus strand (C>T on the coding strand, the complement: SMARCA1 is on the minus strand). VCF-style: chrX-129481160-G-A. GRCh37 (hg19) VCF-style: chrX-128615137-G-A.
Other names: c.2243C>T, p.Pro748Leu (NM_003069.5, NM_001378261.1); c.2207C>T, p.Pro736Leu (NM_001282875.2, NM_001378262.1, NM_001378263.1 and 1 more transcripts); short protein forms P736L, P748L.
Identifiers: ClinVar variation 5029795 (VCV005029795.1).
Genomic context (GRCh38, chrX:129,481,160, plus strand): 5'-CGCAAAGCCTCTCTAAAGTAGGCATCCACTGCGTAGTTTGCTTTGCGTTCTCGTTTAGGA[G>A]GTTCAATCCATTCCACCATGCCAAGCTATACACAACAAACAACAACAAGGGGTTTAATGA-3'
Protein context (NP_001269803.1, residues 738-758): QKLGMVEWIE[Pro748Leu]PKRERKANYA

ClinVar aggregate classification (germline): Uncertain significance (1 of 4 stars; one submission).

Submission:

Ambry Genetics
Classification: Uncertain significance. Last evaluated: 2026-08-18. Review status: criteria provided, single submitter. Criteria: Ambry Variant Classification Scheme 2023. Collection method: clinical testing. Allele origin: germline.
Comment: The c.2243C>T (p.P748L) alteration is located in exon 18 (coding exon 18) of the SMARCA1 gene. This alteration results from a C to T substitution at nucleotide position 2243, causing the proline (P) at amino acid position 748 to be replaced by a leucine (L). Based on data from gnomAD, the T allele has an overall frequency of 0.001% (1/178867) total alleles studied. The highest observed frequency was 0.008% (1/12869) of African alleles. Based on insufficient or conflicting evidence, the clinical significance of this alteration remains unclear.